The following is an entry in ClinVar:

NM_130837.3(OPA1):c.1378-25G>C

Gene: OPA1 (OPA1 mitochondrial dynamin like GTPase; plus strand). Cytogenetic location: 3q29.
Variant type: single nucleotide variant.
Coding change: c.1378-25G>C on transcript NM_130837.3 (MANE Select); 25 bases into the intron before coding-DNA position 1378, G replaced by C.
Molecular consequence: intron variant.
Genome position (GRCh38, 1-based): chr3:193,643,503, G>C. VCF-style: chr3-193643503-G-C. GRCh37 (hg19) VCF-style: chr3-193361292-G-C.
Other names: c.841-25G>C (NM_001354664.2); c.844-25G>C (NM_001354663.2); c.1267-25G>C (NM_130834.3); c.1324-25G>C (NM_130836.3); c.1213-25G>C (NM_015560.3); c.1270-25G>C (NM_130835.3); c.1159-25G>C (NM_130832.3); c.1216-25G>C (NM_130833.3); and 1 more.
Identifiers: ClinVar variation 676587 (VCV000676587.1), dbSNP rs148392527, ClinGen allele CA2759369.
Genomic context (GRCh38, chr3:193,643,503, plus strand): 5'-ATGTAAGTATATACAAAACATGTATTTTATTTTATTCTTATTGTGTGAAGCATTTATAAT[G>C]ACATTTAAAACCTTTTTCTTTAAGACTGTGACATCAGGCATGGCTCCTGACACAAAGGAA-3'

ClinVar aggregate classification (germline): Likely benign (1 of 4 stars; one submission).

Allele frequency attached by ClinVar (database versions not stated): gnomAD 0.00034 and 0.00042; gnomAD exomes 0.00035 and 0.00098; TOPMed 0.00046; ExAC 0.00099; 1000 Genomes Project 30x 0.00203; 1000 Genomes Project 0.00220.
gnomAD v4.1: 593 of 1,609,028 alleles (0.037%); highest among the groups gnomAD compares: East Asian, 1.2%; 4 homozygotes.

Submission:

GeneDx
Classification: Likely benign. Last evaluated: 2018-06-16. Review status: criteria provided, single submitter. Criteria: GeneDx Variant Classification (06012015). Collection method: clinical testing. Allele origin: germline. Affected: yes.
Comment: This variant is considered likely benign or benign based on one or more of the following criteria: it is a conservative change, it occurs at a poorly conserved position in the protein, it is predicted to be benign by multiple in silico algorithms, and/or has population frequency not consistent with disease.